The following is an entry in ClinVar:

NM_001330078.2(NRXN1):c.1150C>T (p.His384Tyr)

Gene: NRXN1 (neurexin 1; minus strand). Cytogenetic location: 2p16.3.
Variant type: single nucleotide variant.
Coding change: c.1150C>T on transcript NM_001330078.2 (MANE Select); coding-DNA position 1150, C replaced by T.
Protein change: p.His384Tyr; replaces histidine 384 with tyrosine.
Molecular consequence: missense variant. On other transcripts: intron variant (6).
Genome position (GRCh38, 1-based): chr2:50,621,234, G>A on the plus strand (C>T on the coding strand, the complement: NRXN1 is on the minus strand). VCF-style: chr2-50621234-G-A. GRCh37 (hg19) VCF-style: chr2-50848372-G-A.
Other names: c.1249C>T, p.His417Tyr (NM_001135659.3); c.1090C>T, p.His364Tyr (NM_001330083.2, NM_001330084.2); c.1150C>T, p.His384Tyr (NM_001330085.2, NM_001330086.2, NM_004801.6); c.1147C>T, p.His383Tyr (NM_001330093.2); c.1138C>T, p.His380Tyr (NM_001330094.2); c.1075-1051C>T (NM_001330096.2, NM_001330087.2); c.1105-1051C>T (NM_001330088.2); c.1135-1051C>T (NM_001330095.2, NM_001330082.2, NM_001330077.2); short protein forms H380Y, H364Y, H383Y, H384Y, H417Y.
Identifiers: ClinVar variation 2161934 (VCV002161934.4), dbSNP rs759836513, ClinGen allele CA346822006.

ClinVar aggregate classification (germline): Uncertain significance (1 of 4 stars; one submission).

Conditions:
Pitt-Hopkins-like syndrome 2 (PTHSL2). Identifiers: Orphanet 221150, Orphanet 600663, MedGen C3280479, MONDO:0013690, OMIM 614325.

Allele frequency attached by ClinVar (database versions not stated): TOPMed below 0.00001; gnomAD 0.00001.
gnomAD v4.1: 3 of 1,572,338 alleles (0.00019%); highest among the groups gnomAD compares: Admixed American, 0.0037%; no homozygotes.

Submission:

Labcorp Genetics (formerly Invitae), Labcorp
Classification: Uncertain significance for Pitt-Hopkins-like syndrome 2. Last evaluated: 2025-05-05. Review status: criteria provided, single submitter. Criteria: Invitae Variant Classification Sherloc (09022015). Collection method: clinical testing. Allele origin: germline.
Comment: This sequence change replaces histidine, which is basic and polar, with tyrosine, which is neutral and polar, at codon 417 of the NRXN1 protein (p.His417Tyr). This variant is not present in population databases (gnomAD no frequency). This variant has not been reported in the literature in individuals affected with NRXN1-related conditions. ClinVar contains an entry for this variant (Variation ID: 2161934). An algorithm developed to predict the effect of missense changes on protein structure and function (PolyPhen-2) suggests that this variant is likely to be tolerated. In summary, the available evidence is currently insufficient to determine the role of this variant in disease. Therefore, it has been classified as a Variant of Uncertain Significance.